The following is an entry in ClinVar:

NM_001194998.2(CEP152):c.3765C>A (p.Cys1255Ter)

Gene: CEP152 (centrosomal protein 152; minus strand). Cytogenetic location: 15q21.1.
Variant type: single nucleotide variant.
Coding change: c.3765C>A on transcript NM_001194998.2 (MANE Select); coding-DNA position 3765, C replaced by A.
Protein change: p.Cys1255Ter; replaces cysteine 1255 with a stop codon.
Molecular consequence: nonsense.
Genome position (GRCh38, 1-based): chr15:48,744,310, G>T on the plus strand (C>A on the coding strand, the complement: CEP152 is on the minus strand). VCF-style: chr15-48744310-G-T. GRCh37 (hg19) VCF-style: chr15-49036507-G-T.
Other names: c.3597C>A, p.Cys1199Ter (NM_014985.4); short protein forms C1199*, C1255*.
Identifiers: ClinVar variation 2986202 (VCV002986202.3), dbSNP rs1388696036, ClinGen allele CA392338247.

ClinVar aggregate classification (germline): Pathogenic (1 of 4 stars; one submission).

Allele frequency attached by ClinVar (database versions not stated): TOPMed below 0.00001.

Submission:

Labcorp Genetics (formerly Invitae), Labcorp
Classification: Pathogenic. Last evaluated: 2023-06-27. Review status: criteria provided, single submitter. Criteria: Invitae Variant Classification Sherloc (09022015). Collection method: clinical testing. Allele origin: germline.
Comment: For these reasons, this variant has been classified as Pathogenic. This variant has not been reported in the literature in individuals affected with CEP152-related conditions. This variant is not present in population databases (gnomAD no frequency). This sequence change creates a premature translational stop signal (p.Cys1199*) in the CEP152 gene. It is expected to result in an absent or disrupted protein product. Loss-of-function variants in CEP152 are known to be pathogenic (PMID: 21131973).

Literature cited by the submitters: PubMed 21131973.